The following is an entry in ClinVar:

ClinVar aggregate classification (germline): Uncertain significance (1 of 4 stars; one submission).

Conditions:
Charcot-Marie-Tooth disease axonal type 2F (CMT2F). Also called: CHARCOT-MARIE-TOOTH DISEASE, NEURONAL, TYPE 2F; Charcot-Marie-Tooth Neuropathy Type 2F. Identifiers: Orphanet 99940, MedGen C1847823, MONDO:0011687, OMIM 606595.

Allele frequency attached by ClinVar (database versions not stated): gnomAD exomes below 0.00001.

Submission:

Labcorp Genetics (formerly Invitae), Labcorp
Classification: Uncertain significance for Charcot-Marie-Tooth disease axonal type 2F. Last evaluated: 2021-10-08. Review status: criteria provided, single submitter. Criteria: Invitae Variant Classification Sherloc (09022015). Collection method: clinical testing. Allele origin: germline.
Comment: In summary, the available evidence is currently insufficient to determine the role of this variant in disease. Therefore, it has been classified as a Variant of Uncertain Significance. Advanced modeling of protein sequence and biophysical properties (such as structural, functional, and spatial information, amino acid conservation, physicochemical variation, residue mobility, and thermodynamic stability) performed at Invitae indicates that this missense variant is expected to disrupt HSPB1 protein function. This variant has not been reported in the literature in individuals affected with HSPB1-related conditions. This variant is not present in population databases (ExAC no frequency). This sequence change replaces aspartic acid with asparagine at codon 129 of the HSPB1 protein (p.Asp129Asn). The aspartic acid residue is highly conserved and there is a small physicochemical difference between aspartic acid and asparagine.

NM_001540.5(HSPB1):c.385G>A (p.Asp129Asn)

Gene: HSPB1 (heat shock protein family B (small) member 1; plus strand). Cytogenetic location: 7q11.23.
Variant type: single nucleotide variant.
Coding change: c.385G>A on transcript NM_001540.5 (MANE Select); coding-DNA position 385, G replaced by A.
Protein change: p.Asp129Asn; replaces aspartic acid 129 with asparagine.
Molecular consequence: missense variant.
Genome position (GRCh38, 1-based): chr7:76,303,822, G>A. VCF-style: chr7-76303822-G-A. GRCh37 (hg19) VCF-style: chr7-75933139-G-A.
Other names: short protein forms D129N.
Identifiers: ClinVar variation 1494835 (VCV001494835.6), dbSNP rs2117161160, ClinGen allele CA367765359.
Genomic context (GRCh38, chr7:76,303,822, plus strand): 5'-TCCCCTCCCCCGCAGTCTGATTTCCCTCTTCCCCCCAAAGGCAAGCACGAGGAGCGGCAG[G>A]ACGAGCATGGCTACATCTCCCGGTGCTTCACGCGGAAATACACGTGAGTCCTGGCGCCAG-3'
Protein context (NP_001531.1, residues 119-139): EITGKHEERQ[Asp129Asn]EHGYISRCFT